The following is an entry in ClinVar:

ClinVar aggregate classification (germline): Uncertain significance (1 of 4 stars; one submission).

Submission:

Dasa
Classification: Uncertain significance. Last evaluated: 2026-01-16. Review status: criteria provided, single submitter. Criteria: DASA Assertion Criteria. Collection method: clinical testing. Allele origin: germline.
Comment: NM_014370.4(SRPK3):c.1072T>C (p.Phe358Leu) is a missense variant that results in the substitution of phenylalanine with leucine. This variant is rare in population databases. Computational prediction algorithms are consistent with a benign effect. The currently available literature and clinical evidence are not sufficient to establish a definitive association between this variant and the reported condition. Therefore, this variant is classified as a variant of uncertain significance.

NM_014370.4(SRPK3):c.1072T>C (p.Phe358Leu)

Gene: SRPK3 (SRSF protein kinase 3; plus strand). Cytogenetic location: Xq28.
Variant type: single nucleotide variant.
Coding change: c.1072T>C on transcript NM_014370.4 (MANE Select); coding-DNA position 1072, T replaced by C.
Protein change: p.Phe358Leu; replaces phenylalanine 358 with leucine.
Molecular consequence: missense variant.
Genome position (GRCh38, 1-based): chrX:153,784,138, T>C. VCF-style: chrX-153784138-T-C. GRCh37 (hg19) VCF-style: chrX-153049593-T-C.
Other names: c.1069T>C, p.Phe357Leu (NM_001170760.2); c.970T>C, p.Phe324Leu (NM_001170761.2); short protein forms F324L, F357L, F358L.
Identifiers: ClinVar variation 5020731 (VCV005020731.1).